The following is an entry in ClinVar:

ClinVar aggregate classification (germline): Conflicting classifications of pathogenicity. Review status: criteria provided, conflicting classifications (1 of 4 stars). 7 submissions from 6 submitters: Uncertain significance (5); Benign (1); Likely benign (1). Last evaluated 2024-11-11.

Conditions:
RASopathy. Also called: rasopathies; Noonan spectrum disorder. Identifiers: Orphanet 536391, MedGen C5555857, MONDO:0021060.
Cardiovascular phenotype. Identifiers: MedGen CN230736.
Fibromatosis, gingival, 1 (GINGF1). Identifiers: Orphanet 2024, MedGen C4551558, MONDO:0007609, OMIM 135300.
Noonan syndrome 4 (NS4). Also called: SOS1-Related Noonan Syndrome; NOONAN SYNDROME WITH PIGMENTED VILLONODULAR SYNOVITIS. Identifiers: Orphanet 648, MedGen C1853120, MONDO:0012547, OMIM 610733.

Allele frequency attached by ClinVar (database versions not stated): gnomAD exomes below 0.00001 and 0.00001; gnomAD 0.00001; ExAC 0.00002; TOPMed 0.00003; ESP Exome Variant Server 0.00015.
gnomAD v4.1: 2 of 1,603,840 alleles (0.00012%); highest among the groups gnomAD compares: African/African-American, 0.0027%; no homozygotes.

Submissions (7):

Labcorp Genetics (formerly Invitae), Labcorp
Classification: Benign for RASopathy. Last evaluated: 2024-11-11. Review status: criteria provided, single submitter. Criteria: Invitae Variant Classification Sherloc (09022015). Collection method: clinical testing. Allele origin: germline.

Ambry Genetics
Classification: Likely benign for Cardiovascular phenotype. Last evaluated: 2023-11-17. Review status: criteria provided, single submitter. Criteria: Ambry Variant Classification Scheme 2023. Collection method: clinical testing. Allele origin: germline.

Fulgent Genetics
Classification: Uncertain significance for Fibromatosis, gingival, 1; Noonan syndrome 4. Last evaluated: 2021-09-08. Review status: criteria provided, single submitter. Criteria: ACMG Guidelines, 2015. Collection method: clinical testing. Allele origin: unknown.

Johns Hopkins Genomics, Johns Hopkins University
Classification: Uncertain significance for Noonan syndrome 4. Last evaluated: 2021-01-21. Review status: criteria provided, single submitter. Criteria: ACMG Guidelines, 2015. Collection method: clinical testing. Allele origin: germline.
Comment: This SOS1 variant (rs367634525) is rare (<0.1%) in a large population dataset (gnomAD: 3/250686 total alleles; 0.0012%; no homozygotes) and has not been reported in ClinVar nor the literature, to our knowledge. Three bioinformatic tools queried predict that the substitution would be tolerated, but these algorithms have low specificity, especially for predicting gain of function variants. The threonine residue at this position is evolutionarily conserved in most species assessed, except fish. We consider the clinical significance of c.2158A>G to be uncertain at this time.

GeneDx
Classification: Uncertain significance. Last evaluated: 2019-07-23. Review status: criteria provided, single submitter. Criteria: GeneDx Variant Classification Process June 2021. Collection method: clinical testing. Allele origin: germline. Affected: yes.
Comment: Has not been previously published as pathogenic or benign to our knowledge; Missense variants in this gene are commonly considered pathogenic (Stenson et al., 2014); In silico analysis, which includes protein predictors and evolutionary conservation, supports that this variant does not alter protein structure/function

Genome-Nilou Lab
Classification: Uncertain significance for Noonan syndrome 4. Review status: criteria provided, single submitter. Criteria: ACMG Guidelines, 2015. Collection method: clinical testing. Allele origin: germline.

Genome-Nilou Lab
Classification: Uncertain significance for Fibromatosis, gingival, 1. Review status: criteria provided, single submitter. Criteria: ACMG Guidelines, 2015. Collection method: clinical testing. Allele origin: germline.

Literature cited by the submitters: PubMed 17586837 (cited by Johns Hopkins Genomics, Johns Hopkins University); PubMed 21387466 (cited by Johns Hopkins Genomics, Johns Hopkins University); PubMed 28884940 (cited by Johns Hopkins Genomics, Johns Hopkins University); PubMed 29493581 (cited by Johns Hopkins Genomics, Johns Hopkins University).

NM_005633.4(SOS1):c.2158A>G (p.Thr720Ala)

Gene: SOS1 (SOS Ras/Rac guanine nucleotide exchange factor 1; minus strand). Cytogenetic location: 2p22.1.
Variant type: single nucleotide variant.
Coding change: c.2158A>G on transcript NM_005633.4 (MANE Select); coding-DNA position 2158, A replaced by G.
Protein change: p.Thr720Ala; replaces threonine 720 with alanine.
Molecular consequence: missense variant.
Genome position (GRCh38, 1-based): chr2:39,013,469, T>C on the plus strand (A>G on the coding strand, the complement: SOS1 is on the minus strand). VCF-style: chr2-39013469-T-C. GRCh37 (hg19) VCF-style: chr2-39240610-T-C.
Other names: c.2137A>G, p.Thr713Ala (NM_001382394.1); c.2158A>G, p.Thr720Ala (NM_001382395.1); c.2158A>G (NM_005633.3); short protein forms T713A, T720A.
Identifiers: ClinVar variation 996090 (VCV000996090.12), dbSNP rs367634525, ClinGen allele CA1624459.